The following is an entry in ClinVar:

ClinVar aggregate classification (germline): Conflicting classifications of pathogenicity. Review status: criteria provided, conflicting classifications (1 of 4 stars). 7 submissions from 4 submitters: Uncertain significance (1); Benign (3); Likely benign (3). Last evaluated 2025-12-18.

Conditions:
Stargardt disease 4 (STGD4). Identifiers: Orphanet 827, MedGen C1863534, MONDO:0011370, OMIM 603786.
Retinal dystrophy. Also called: Inherited retinal dystrophy. Identifiers: Orphanet 71862, MedGen C0854723, MeSH D058499, MONDO:0019118, HP:0000556.
Retinitis pigmentosa (RP). Identifiers: Orphanet 791, MedGen C0035334, MeSH D012174, MONDO:0019200, OMIM 268000. Inheritance: Autosomal dominant, autosomal recessive and X linked inheritance.
Cone-rod dystrophy 12 (CORD12). Identifiers: Orphanet 1872, MedGen C2675210, MONDO:0012983, OMIM 612657.
Retinal macular dystrophy type 2 (MCDR2). Also called: Bull's eye macular dystrophy. Identifiers: Orphanet 319640, MedGen C4749334, MONDO:0011957, OMIM 608051.

Allele frequency attached by ClinVar (database versions not stated): gnomAD exomes 0.00016 and 0.00055; gnomAD 0.00020 and 0.00025; TOPMed 0.00021; ExAC 0.00036; 1000 Genomes Project 30x 0.00156; 1000 Genomes Project 0.00160.
gnomAD v4.1: 294 of 1,613,510 alleles (0.018%); highest among the groups gnomAD compares: East Asian, 0.35%; 1 homozygote.

Submissions (7):

Labcorp Genetics (formerly Invitae), Labcorp
Classification: Benign. Last evaluated: 2025-12-18. Review status: criteria provided, single submitter. Criteria: Invitae Variant Classification Sherloc (09022015). Collection method: clinical testing. Allele origin: germline.

Blueprint Genetics
Classification: Likely benign. Last evaluated: 2024-07-22. Review status: criteria provided, single submitter. Criteria: ACMG Guidelines, 2015. Collection method: clinical testing. Allele origin: germline.

Dept Of Ophthalmology, Nagoya University
Classification: Likely benign for Retinal dystrophy. Last evaluated: 2023-10-01. Review status: criteria provided, single submitter. Criteria: Submitter's publication. Collection method: research. Allele origin: germline. Affected: yes.

Illumina Laboratory Services, Illumina
Classification: Uncertain significance for Retinitis pigmentosa. Last evaluated: 2018-01-12. Review status: criteria provided, single submitter. Criteria: ICSL Variant Classification Criteria 13 December 2019. Collection method: clinical testing. Allele origin: germline.

Illumina Laboratory Services, Illumina
Classification: Benign for Stargardt disease 4. Last evaluated: 2018-01-12. Review status: criteria provided, single submitter. Criteria: ICSL Variant Classification Criteria 13 December 2019. Collection method: clinical testing. Allele origin: germline.
Comment: This variant was observed in the ICSL laboratory as part of a predisposition screen in an ostensibly healthy population. It had not been previously curated by ICSL or reported in the Human Gene Mutation Database (HGMD: prior to June 1st, 2018), and was therefore a candidate for classification through an automated scoring system. Utilizing variant allele frequency, disease prevalence and penetrance estimates, and inheritance mode, an automated score was calculated to assess if this variant is too frequent to cause the disease. Based on the score and internal cut-off values, a variant classified as benign is not then subjected to further curation. The score for this variant resulted in a classification of benign for this disease.

Illumina Laboratory Services, Illumina
Classification: Benign for Cone-rod dystrophy 12. Last evaluated: 2018-01-12. Review status: criteria provided, single submitter. Criteria: ICSL Variant Classification Criteria 13 December 2019. Collection method: clinical testing. Allele origin: germline.
Comment: the same text as in the submission from Illumina Laboratory Services, Illumina above.

Illumina Laboratory Services, Illumina
Classification: Likely benign for Retinal macular dystrophy type 2. Last evaluated: 2018-01-12. Review status: criteria provided, single submitter. Criteria: ICSL Variant Classification Criteria 13 December 2019. Collection method: clinical testing. Allele origin: germline.
Comment: This variant was observed in the ICSL laboratory as part of a predisposition screen in an ostensibly healthy population. It had not been previously curated by ICSL or reported in the Human Gene Mutation Database (HGMD: prior to June 1st, 2018), and was therefore a candidate for classification through an automated scoring system. Utilizing variant allele frequency, disease prevalence and penetrance estimates, and inheritance mode, an automated score was calculated to assess if this variant is too frequent to cause the disease. Based on the score and internal cut-off values, a variant classified as likely benign is not then subjected to further curation. The score for this variant resulted in a classification of likely benign for this disease.

NM_006017.3(PROM1):c.678G>A (p.Ala226=)

Gene: PROM1 (prominin 1; minus strand). Cytogenetic location: 4p15.32.
Variant type: single nucleotide variant.
Coding change: c.678G>A on transcript NM_006017.3 (MANE Select); coding-DNA position 678, G replaced by A.
Protein change: p.Ala226=; no amino-acid change (alanine 226 retained).
Molecular consequence: synonymous variant.
Genome position (GRCh38, 1-based): chr4:16,024,311, C>T on the plus strand (G>A on the coding strand, the complement: PROM1 is on the minus strand). VCF-style: chr4-16024311-C-T. GRCh37 (hg19) VCF-style: chr4-16025934-C-T.
Other names: c.651G>A, p.Ala217= (NM_001145847.2, NM_001145848.2, NM_001145851.2 and 4 more transcripts); c.678G>A, p.Ala226= (NM_001145849.2, NM_001145850.2).
Identifiers: ClinVar variation 348004 (VCV000348004.17), dbSNP rs187116049, ClinGen allele CA2867001.
Genomic context (GRCh38, chr4:16,024,311, plus strand): 5'-AAAACAAAGAAAAAAAATGTGAAGCAACTTTAAATTTTACTCACTGTTCAGATCTGTGAA[C>T]GCCTTGTCCTTGGTAGTGTTGTACTGGGCCAATATATATTTGATTTGCTGAAAAAAGAAC-3'
Protein context (NP_006008.1, residues 216-236): LAQYNTTKDK[Ala226=]FTDLNSINSV